The following is an entry in ClinVar:

NM_004360.5(CDH1):c.566T>C (p.Phe189Ser)

Gene: CDH1 (cadherin 1; plus strand). Cytogenetic location: 16q22.1.
Variant type: single nucleotide variant.
Coding change: c.566T>C on transcript NM_004360.5 (MANE Select); coding-DNA position 566, T replaced by C.
Protein change: p.Phe189Ser; replaces phenylalanine 189 with serine.
Molecular consequence: missense variant. On other transcripts: 5 prime UTR variant (2).
Genome position (GRCh38, 1-based): chr16:68,808,727, T>C. VCF-style: chr16-68808727-T-C. GRCh37 (hg19) VCF-style: chr16-68842630-T-C.
Other names: c.566T>C, p.Phe189Ser (NM_001317184.2); c.-1050T>C (NM_001317185.2); c.-1254T>C (NM_001317186.2); short protein forms F189S.
Identifiers: ClinVar variation 4632710 (VCV004632710.1).

ClinVar aggregate classification (germline): Uncertain significance (1 of 4 stars; one submission).

Conditions:
Hereditary cancer-predisposing syndrome. Also called: Neoplastic Syndromes, Hereditary; Tumor predisposition; Hereditary Cancer Syndrome; Hereditary neoplastic syndrome. Identifiers: Orphanet 140162, MedGen C0027672, MeSH D009386, MONDO:0015356.

Submission:

Ambry Genetics
Classification: Uncertain significance for Hereditary cancer-predisposing syndrome. Last evaluated: 2025-11-09. Review status: criteria provided, single submitter. Criteria: Ambry Variant Classification Scheme 2023. Collection method: clinical testing. Allele origin: germline.
Comment: The p.F189S variant (also known as c.566T>C), located in coding exon 5 of the CDH1 gene, results from a T to C substitution at nucleotide position 566. The phenylalanine at codon 189 is replaced by serine, an amino acid with highly dissimilar properties. This amino acid position is conserved. In addition, the in silico prediction for this alteration is inconclusive. Based on the available evidence, the clinical significance of this variant remains unclear.